The following is an entry in ClinVar:

NM_001267550.2(TTN):c.67147G>A (p.Gly22383Arg)

Genes: TTN-AS1 (TTN antisense RNA 1; plus strand), TTN (titin; minus strand). Cytogenetic location: 2q31.2.
Variant type: single nucleotide variant.
Coding change: c.67147G>A on transcript NM_001267550.2 (MANE Select); coding-DNA position 67147, G replaced by A.
Protein change: p.Gly22383Arg; replaces glycine 22383 with arginine.
Molecular consequence: missense variant.
Genome position (GRCh38, 1-based): chr2:178,580,140, C>T on the plus strand (G>A on the coding strand, the complement: TTN is on the minus strand). VCF-style: chr2-178580140-C-T. GRCh37 (hg19) VCF-style: chr2-179444867-C-T.
Other names: c.39952G>A, p.Gly13318Arg (NM_003319.4); c.59443G>A, p.Gly19815Arg (NM_133378.4); c.62224G>A, p.Gly20742Arg (NM_001256850.1); c.40327G>A, p.Gly13443Arg (NM_133432.3); c.40528G>A, p.Gly13510Arg (NM_133437.4); short protein forms G22383R, G19815R, G13318R, G13443R, G13510R, G20742R.
Identifiers: ClinVar variation 47249 (VCV000047249.23), dbSNP rs372388682, ClinGen allele CA140455.

ClinVar aggregate classification (germline): Conflicting classifications of pathogenicity. Review status: criteria provided, conflicting classifications (1 of 4 stars). 7 submissions from 7 submitters: Uncertain significance (6); Likely benign (1). Last evaluated 2024-03-29.

Conditions:
Cardiovascular phenotype. Identifiers: MedGen CN230736.
Dilated cardiomyopathy 1G (CMD1G). Identifiers: Orphanet 154, MedGen C1858763, MONDO:0011400, OMIM 604145.
Autosomal recessive limb-girdle muscular dystrophy type 2J (LGMDR10). Also called: Limb-girdle muscular dystrophy, type 2J; MUSCULAR DYSTROPHY, LIMB-GIRDLE, AUTOSOMAL RECESSIVE 10. Identifiers: Orphanet 140922, MedGen C1837342, MONDO:0012127, OMIM 608807.

Allele frequency attached by ClinVar (database versions not stated): gnomAD 0.00004 and 0.00005; ExAC 0.00006; gnomAD exomes 0.00006 and 0.00009; ESP Exome Variant Server 0.00008; TOPMed 0.00009.
gnomAD v4.1: 143 of 1,613,144 alleles (0.0089%); highest among the groups gnomAD compares: Non-Finnish European, 0.011%; no homozygotes.

Submissions (7):

Genomic Medicine Center of Excellence, King Faisal Specialist Hospital and Research Centre
Classification: Uncertain significance for Dilated cardiomyopathy 1G. Last evaluated: 2024-03-29. Review status: criteria provided, single submitter. Criteria: ACMG Guidelines, 2015. Collection method: clinical testing. Allele origin: germline.

Revvity Omics, Revvity
Classification: Uncertain significance. Last evaluated: 2023-08-21. Review status: criteria provided, single submitter. Criteria: ACMG Guidelines, 2015. Collection method: clinical testing. Allele origin: germline.

Mayo Clinic Laboratories, Mayo Clinic
Classification: Uncertain significance. Last evaluated: 2020-07-23. Review status: criteria provided, single submitter. Criteria: ACMG Guidelines, 2015. Collection method: clinical testing. Allele origin: germline. Observed: 2 variant alleles.

GeneDx
Classification: Likely benign. Last evaluated: 2019-11-04. Review status: criteria provided, single submitter. Criteria: GeneDx Variant Classification Process June 2021. Collection method: clinical testing. Allele origin: germline. Affected: yes.
Comment: This variant is associated with the following publications: (PMID: 25979592, 24503780)

Ambry Genetics
Classification: Uncertain significance for Cardiovascular phenotype. Last evaluated: 2019-09-26. Review status: criteria provided, single submitter. Criteria: Ambry Variant Classification Scheme 2023. Collection method: clinical testing. Allele origin: germline.
Comment: The p.G13318R variant (also known as c.39952G>A), located in coding exon 145 of the TTN gene, results from a G to A substitution at nucleotide position 39952. The glycine at codon 13318 is replaced by arginine, an amino acid with dissimilar properties. This variant was reported in one individual with dilated cardiomyopathy (DCM) and in another individual with hypertrophic cardiomyopathy (HCM), both of which also had variants in other cardiac-related genes (Pugh TJ et al. Genet Med. 2014;16(8):601-8 (reported as p.G19815R (c.59443G>A), Waldm&uuml;ller et al. Mol Cell Probes. 2015 Oct;29(5):308-14 (reported as p.G20742R (c.62224G>A)). This amino acid position is highly conserved in available vertebrate species. In addition, the in silico prediction for this alteration is inconclusive. Since supporting evidence is limited at this time, the clinical significance of this variant remains unclear.

Labcorp Genetics (formerly Invitae), Labcorp
Classification: Uncertain significance for Dilated cardiomyopathy 1G; Autosomal recessive limb-girdle muscular dystrophy type 2J. Last evaluated: 2018-01-08. Review status: criteria provided, single submitter. Criteria: Invitae Variant Classification Sherloc (09022015). Collection method: clinical testing. Allele origin: germline.
Comment: This sequence change replaces glycine with arginine at codon 22383 of the TTN protein (p.Gly22383Arg). There is a moderate physicochemical difference between glycine and arginine. This variant is present in population databases (rs372388682, ExAC 0.02%). This variant has not been reported in the literature in individuals with TTN-related disease. ClinVar contains an entry for this variant (Variation ID: 47249). Algorithms developed to predict the effect of sequence changes on RNA splicing suggest that this variant may create or strengthen a splice site, but this prediction has not been confirmed by published transcriptional studies. In summary, the available evidence is currently insufficient to determine the role of this variant in disease. Therefore, it has been classified as a Variant of Uncertain Significance.

Laboratory for Molecular Medicine, Mass General Brigham Personalized Medicine
Classification: Uncertain significance. Last evaluated: 2012-01-19. Review status: criteria provided, single submitter. Criteria: LMM Criteria. Collection method: clinical testing. Allele origin: germline. Observed: 2 variant alleles.
Comment: The Gly19815Arg variant (TTN) has been identified in 1/6589 European American ch romosomes by the NHLBI Exome Sequencing Project in a broad population (s.). Computational analyses (biochemical amino acid propert ies, conservation, AlignGVGD and SIFT) do not provide strong support for or agai nst pathogenicity. Additional information is needed to fully assess the clinical significance of the Gly19815Arg variant.